The following is an entry in ClinVar:

NM_001083614.2(EARS2):c.1351G>A (p.Gly451Arg)

Gene: EARS2 (glutamyl-tRNA synthetase 2, mitochondrial; minus strand). Cytogenetic location: 16p12.2.
Variant type: single nucleotide variant.
Coding change: c.1351G>A on transcript NM_001083614.2 (MANE Select); coding-DNA position 1351, G replaced by A.
Protein change: p.Gly451Arg; replaces glycine 451 with arginine.
Molecular consequence: missense variant. On other transcripts: non-coding transcript variant (1).
Genome position (GRCh38, 1-based): chr16:23,529,503, C>T on the plus strand (G>A on the coding strand, the complement: EARS2 is on the minus strand). VCF-style: chr16-23529503-C-T. GRCh37 (hg19) VCF-style: chr16-23540824-C-T.
Other names: c.1351G>A, p.Gly451Arg (NM_001308211.1); short protein forms G451R.
Identifiers: ClinVar variation 1030114 (VCV001030114.1), dbSNP rs767133394, ClinGen allele CA395128589.

ClinVar aggregate classification (germline): Uncertain significance (1 of 4 stars; one submission).

Conditions:
Leukoencephalopathy-thalamus and brainstem anomalies-high lactate syndrome. Also called: LEUKOENCEPHALOPATHY WITH THALAMUS AND BRAINSTEM INVOLVEMENT AND HIGH LACTATE; Combined oxidative phosphorylation deficiency 12. Identifiers: Orphanet 314051, MedGen C4706421, MONDO:0013971, OMIM 614924.

Allele frequency attached by ClinVar (database versions not stated): TOPMed 0.00001.
gnomAD v4.1: 3 of 1,613,526 alleles (0.00019%); highest among the groups gnomAD compares: Admixed American, 0.005%; no homozygotes.

Submission:

Baylor Genetics
Classification: Uncertain significance for Leukoencephalopathy-thalamus and brainstem anomalies-high lactate syndrome. Last evaluated: 2019-04-19. Review status: criteria provided, single submitter. Criteria: ACMG Guidelines, 2015. Collection method: clinical testing. Allele origin: maternal. Affected: yes.
Comment: This variant was determined to be of uncertain significance according to ACMG Guidelines, 2015 [PMID:25741868].